The following is an entry in ClinVar:

ClinVar aggregate classification (germline): Uncertain significance (1 of 4 stars; one submission).

Conditions:
Holoprosencephaly 3 (HPE3). Identifiers: Orphanet 2162, MedGen C1840529, MONDO:0007733, OMIM 142945.

Submission:

Labcorp Genetics (formerly Invitae), Labcorp
Classification: Uncertain significance for Holoprosencephaly 3. Last evaluated: 2019-11-11. Review status: criteria provided, single submitter. Criteria: Invitae Variant Classification Sherloc (09022015). Collection method: clinical testing. Allele origin: germline.
Comment: This variant has not been reported in the literature in individuals with SHH-related conditions. In summary, the available evidence is currently insufficient to determine the role of this variant in disease. Therefore, it has been classified as a Variant of Uncertain Significance. Algorithms developed to predict the effect of missense changes on protein structure and function are either unavailable or do not agree on the potential impact of this missense change (SIFT: "Deleterious"; PolyPhen-2: "Benign"; Align-GVGD: "Class C0"). This variant is not present in population databases (ExAC no frequency). This sequence change replaces isoleucine with methionine at codon 432 of the SHH protein (p.Ile432Met). The isoleucine residue is moderately conserved and there is a small physicochemical difference between isoleucine and methionine.

NM_000193.4(SHH):c.1296C>G (p.Ile432Met)

Gene: SHH (sonic hedgehog signaling molecule; minus strand). Cytogenetic location: 7q36.3.
Variant type: single nucleotide variant.
Coding change: c.1296C>G on transcript NM_000193.4 (MANE Select); coding-DNA position 1296, C replaced by G.
Protein change: p.Ile432Met; replaces isoleucine 432 with methionine.
Molecular consequence: missense variant. On other transcripts: intron variant (1).
Genome position (GRCh38, 1-based): chr7:155,802,993, G>C on the plus strand (C>G on the coding strand, the complement: SHH is on the minus strand). VCF-style: chr7-155802993-G-C. GRCh37 (hg19) VCF-style: chr7-155595687-G-C.
Other names: c.302-2748C>G (NM_001310462.2); short protein forms I432M.
Identifiers: ClinVar variation 959645 (VCV000959645.9), dbSNP rs1803230762, ClinGen allele CA370144139.